The following is an entry in ClinVar:

ClinVar aggregate classification (germline): Conflicting classifications of pathogenicity. Review status: criteria provided, conflicting classifications (1 of 4 stars). 15 submissions from 15 submitters: Uncertain significance (2); Benign (3); Likely benign (5). 5 of the submissions do not count toward it. Last evaluated 2026-04-01.

Conditions:
Autosomal dominant polycystic liver disease. Also called: Congenital cystic disease of liver; Polycystic liver disease. Identifiers: Orphanet 2924, MedGen C0158683, MONDO:0000447, HP:0006557.
PKHD1-related disorder. Also called: PKHD1-related condition.
Polycystic kidney disease 4 (PKD4). Also called: PKD3; POLYCYSTIC KIDNEY DISEASE 4 WITH OR WITHOUT POLYCYSTIC LIVER DISEASE; Autosomal Recessive Polycystic Kidney Disease – PKHD1; POLYCYSTIC KIDNEY AND HEPATIC DISEASE 1; POLYCYSTIC KIDNEY DISEASE, INFANTILE, TYPE I. Identifiers: MedGen C4540575, MONDO:0033004, OMIM 263200.
Autosomal recessive polycystic kidney disease (ARPKD). Also called: AR polycystic kidney disease. Identifiers: Orphanet 731, Orphanet 8378, MedGen C0085548, MeSH D017044, MONDO:0009889.
Polycystic kidney disease. Also called: Kidney, Polycystic; Polycystic kidney dysplasia. Identifiers: MedGen C0022680, MeSH D007690, MONDO:0020642, HP:0000113.

Allele frequency attached by ClinVar (database versions not stated): ExAC 0.00337; 1000 Genomes Project 30x 0.00297; ESP Exome Variant Server 0.00315; gnomAD exomes 0.00321; 1000 Genomes Project 0.00260; gnomAD 0.00287; TOPMed 0.00287.
gnomAD v4.1: 6,921 of 1,609,574 alleles (0.43%); highest among the groups gnomAD compares: Non-Finnish European, 0.51%; 9 homozygotes.

Submissions (15):

CeGaT Center for Human Genetics Tuebingen
Classification: Likely benign. Last evaluated: 2026-04-01. Review status: criteria provided, single submitter. Criteria: CeGaT Center For Human Genetics Tuebingen Variant Classification Criteria Version 2. Collection method: clinical testing. Allele origin: germline. Affected: yes. Observed: 6 variant alleles.
Comment: PKHD1: BS2

Labcorp Genetics (formerly Invitae), Labcorp
Classification: Benign for Autosomal recessive polycystic kidney disease. Last evaluated: 2026-01-31. Review status: criteria provided, single submitter. Criteria: Invitae Variant Classification Sherloc (09022015). Collection method: clinical testing. Allele origin: germline.

Mayo Clinic Laboratories, Mayo Clinic
Classification: Likely benign. Last evaluated: 2025-06-18. Review status: criteria provided, single submitter. Criteria: ACMG Guidelines, 2015. Collection method: clinical testing. Allele origin: germline. Observed: 4 variant alleles.
Comment: BS1, PP3

Blueprint Genetics
Classification: Likely benign. Last evaluated: 2024-11-20. Review status: criteria provided, single submitter. Criteria: ACMG Guidelines, 2015. Collection method: clinical testing. Allele origin: germline.

Genome-Nilou Lab
Classification: Uncertain significance for Polycystic kidney disease 4. Last evaluated: 2021-05-18. Review status: criteria provided, single submitter. Criteria: ACMG Guidelines, 2015. Collection method: clinical testing. Allele origin: germline. Affected: no.

GeneDx
Classification: Likely benign. Last evaluated: 2020-10-02. Review status: criteria provided, single submitter. Criteria: GeneDx Variant Classification Process June 2021. Collection method: clinical testing. Allele origin: germline. Affected: yes.
Comment: This variant is associated with the following publications: (PMID: 15805161, 21228398, 15108277)

Mendelics
Classification: Benign for Polycystic kidney disease 4. Last evaluated: 2019-05-28. Review status: criteria provided, single submitter. Criteria: Mendelics Assertion Criteria 2017. Collection method: clinical testing. Allele origin: unknown.

Illumina Laboratory Services, Illumina
Classification: Uncertain significance for Polycystic kidney disease 4. Last evaluated: 2017-04-27. Review status: criteria provided, single submitter. Criteria: ICSL Variant Classification Criteria 13 December 2019. Collection method: clinical testing. Allele origin: germline.
Comment: This variant was observed as part of a predisposition screen in an ostensibly healthy population. A literature search was performed for the gene, cDNA change, and amino acid change (where applicable). Publications were found based on this search. However, the evidence from the literature, in combination with allele frequency data from public databases where available, was not sufficient to rule this variant in or out of causing disease. Therefore, this variant is classified as a variant of unknown significance.

Genetic Services Laboratory, University of Chicago
Classification: Likely benign. Last evaluated: 2016-08-23. Review status: criteria provided, single submitter. Criteria: ACMG Guidelines, 2015. Collection method: clinical testing. Allele origin: germline. Affected: no.

Eurofins Ntd Llc (ga)
Classification: Benign. Last evaluated: 2016-04-06. Review status: criteria provided, single submitter. Criteria: EGL Classification Definitions 2015. Collection method: clinical testing. Allele origin: germline. Observed: 6 variant alleles, 6 heterozygotes.

PreventionGenetics, part of Exact Sciences
Classification: Likely benign for PKHD1-related condition. Last evaluated: 2024-07-29. Review status: no assertion criteria provided. Collection method: clinical testing. Allele origin: germline. Not counted in ClinVar's aggregate classification.
Comment: This variant is classified as likely benign based on ACMG/AMP sequence variant interpretation guidelines (Richards et al. 2015 PMID: 25741868, with internal and published modifications).

Laboratory of Gastroenterology and Hepatology, Radboud University Medical Center
Classification: Uncertain significance for Autosomal dominant polycystic liver disease. Last evaluated: 2021-09-01. Review status: no assertion criteria provided. Collection method: research. Allele origin: germline. Affected: yes. Not counted in ClinVar's aggregate classification.

Natera, Inc.
Classification: Benign for Autosomal recessive polycystic kidney disease. Last evaluated: 2017-06-30. Review status: no assertion criteria provided. Collection method: clinical testing. Allele origin: germline. Not counted in ClinVar's aggregate classification.

Counsyl
Classification: Likely benign for Polycystic kidney disease, infantile type. Last evaluated: 2014-05-01. Review status: no assertion criteria provided. Collection method: literature only. Allele origin: unknown. Inheritance: Autosomal recessive inheritance. Not counted in ClinVar's aggregate classification.

Department of Pathology and Laboratory Medicine, Sinai Health System
Classification: Benign for Polycystic Kidney disease. Review status: no assertion criteria provided. Collection method: clinical testing. Allele origin: unknown. Affected: yes. Study: The Canadian Open Genetics Repository (COGR). Not counted in ClinVar's aggregate classification.
Comment: The PKHD1 p.Ser3289Ile variant was identified in 1 of 118 proband chromosomes (freq: 0.008) of individuals with autosomal recessive polycystic kidney disease (Sharp 2005). The variant was identified in dbSNP (rs148932323) as â€šÃ„Ãºwith likely pathogenic alleleâ€šÃ„Ã¹, ClinVar (interpreted as "likely benign" by Counsyl and 1 other, "benign" by Invitae and 1 other and "likely pathogenic" by GeneDx) and LOVD 3.0 (observed 6x). The variant was identified in control databases in 871 of 275,506 chromosomes (3 homozygous) at a frequency of 0.003 increasing the likelihood this could be a low frequency benign variant (Genome Aggregation Database Feb 27, 2017). The variant was observed in the following populations: African in 26 of 23,974 chromosomes (freq: 0.001), Other in 29 of 6406 chromosomes (freq: 0.005), Latino in 83 of 34,232 chromosomes (freq: 0.002), European in 599 of 125770 chromosomes (freq: 0.005), Ashkenazi Jewish in 1 of 10110 chromosomes (freq: 0.0001), Finnish in 120 of 25,664 chromosomes (freq: 0.004676), and South Asian in 13 of 30562 chromosomes (freq: 0.0005). The variant was not observed in the East Asian population. The p.Ser3289 residue is conserved in mammals and computational analyses (PolyPhen-2, SIFT, AlignGVGD, BLOSUM, MutationTaster) provide inconsistent predictions regarding the impact to the protein; this information is not very predictive of pathogenicity. The variant occurs outside of the splicing consensus sequence and 1 of 4 in silico or computational prediction software programs (SpliceSiteFinder, MaxEntScan, NNSPLICE, GeneSplicer) predict a greater than 10% difference in splicing; this is not very predictive of pathogenicity. In summary, based on the above information this variant meets our laboratory criteria to be classified as benign. Assessment Date: 2019/08/09

Literature cited by the submitters: PubMed 15108277 (cited by Mayo Clinic Laboratories, Mayo Clinic and Counsyl); PubMed 15805161 (cited by 3 submitters); PubMed 16523049 (cited by Mayo Clinic Laboratories, Mayo Clinic); PubMed 25701400 (cited by Mayo Clinic Laboratories, Mayo Clinic); PubMed 26354092 (cited by Mayo Clinic Laboratories, Mayo Clinic); PubMed 21228398 (cited by Counsyl).

NM_138694.4(PKHD1):c.9866G>T (p.Ser3289Ile)

Gene: PKHD1 (PKHD1 ciliary IPT domain containing fibrocystin/polyductin; minus strand). Cytogenetic location: 6p12.3.
Variant type: single nucleotide variant.
Coding change: c.9866G>T on transcript NM_138694.4 (MANE Select); coding-DNA position 9866, G replaced by T.
Protein change: p.Ser3289Ile; replaces serine 3289 with isoleucine.
Molecular consequence: missense variant.
Genome position (GRCh38, 1-based): chr6:51,746,853, C>A on the plus strand (G>T on the coding strand, the complement: PKHD1 is on the minus strand). VCF-style: chr6-51746853-C-A. GRCh37 (hg19) VCF-style: chr6-51611651-C-A.
Other names: c.9866G>T, p.Ser3289Ile (NM_170724.3); short protein forms S3289I.
Identifiers: ClinVar variation 167475 (VCV000167475.92), dbSNP rs148932323, ClinGen allele CA234561.
Genomic context (GRCh38, chr6:51,746,853, plus strand): 5'-ATTGGGTGCATAATTCCACTGTTCTCTGCATTTGGTAGAATGCAGACATCCAGGTCATCG[C>A]TATAGCAACTCTTCACAAAACTAGAAAAGGTAACATCTGAAATTTTAAAAATATGTATCA-3'
Protein context (NP_619639.3, residues 3279-3299): TFSSFVKSCY[Ser3289Ile]DDLDVCILPN